The following is an entry in ClinVar:

NM_000016.6(ACADM):c.583G>A (p.Gly195Arg)

Gene: ACADM (acyl-CoA dehydrogenase medium chain; plus strand). Cytogenetic location: 1p31.1.
Variant type: single nucleotide variant.
Coding change: c.583G>A on transcript NM_000016.6 (MANE Select); coding-DNA position 583, G replaced by A.
Protein change: p.Gly195Arg; replaces glycine 195 with arginine.
Molecular consequence: missense variant.
Genome position (GRCh38, 1-based): chr1:75,740,094, G>A. VCF-style: chr1-75740094-G-A. GRCh37 (hg19) VCF-style: chr1-76205779-G-A.
Other names: G170R; 583G>A; c.595G>A, p.Gly199Arg (NM_001127328.3); c.475G>A, p.Gly159Arg (NM_001286042.2); c.682G>A, p.Gly228Arg (NM_001286043.2); c.16G>A, p.Gly6Arg (NM_001286044.2); short protein forms G199R, G6R, G228R, G159R.
Identifiers: ClinVar variation 3594 (VCV000003594.40), dbSNP rs121434278, ClinGen allele CA220181.

ClinVar aggregate classification (germline): Pathogenic. Review status: criteria provided, multiple submitters, no conflicts (2 of 4 stars). 12 submissions from 12 submitters: Pathogenic (10). 2 of the submissions do not count toward it. Last evaluated 2025-12-30.

Conditions:
ACADM-related disorder. Also called: ACADM-related condition.
Medium-chain acyl-coenzyme A dehydrogenase deficiency (ACADMD). Also called: MCAD Deficiency; MCADH DEFICIENCY; ACADM DEFICIENCY; CARNITINE DEFICIENCY SECONDARY TO MEDIUM-CHAIN ACYL-CoA DEHYDROGENASE DEFICIENCY; MCADD; Medium chain acyl-CoA dehydrogenase deficiency. Identifiers: Orphanet 42, MedGen C0220710, MONDO:0008721, OMIM 201450.

Allele frequency attached by ClinVar (database versions not stated): gnomAD 0.00007; ExAC 0.00002; gnomAD exomes 0.00004 and 0.00007; TOPMed 0.00008.
gnomAD v4.1: 120 of 1,611,412 alleles (0.0074%); highest among the groups gnomAD compares: Non-Finnish European, 0.009%; 1 homozygote.

Submissions (12):

Labcorp Genetics (formerly Invitae), Labcorp
Classification: Pathogenic for Medium-chain acyl-coenzyme A dehydrogenase deficiency. Last evaluated: 2025-12-30. Review status: criteria provided, single submitter. Criteria: Invitae Variant Classification Sherloc (09022015). Collection method: clinical testing. Allele origin: germline.
Comment: This sequence change replaces glycine, which is neutral and non-polar, with arginine, which is basic and polar, at codon 195 of the ACADM protein (p.Gly195Arg). This variant is present in population databases (rs121434278, gnomAD 0.007%). This missense change has been observed in individual(s) with medium-chain acyl-CoA dehydrogenase deficiency (PMID: 7603790, 16291504, 25940036). It has also been observed to segregate with disease in related individuals. This variant is also known as p.Gly170Arg. ClinVar contains an entry for this variant (Variation ID: 3594). Invitae Evidence Modeling of protein sequence and biophysical properties (such as structural, functional, and spatial information, amino acid conservation, physicochemical variation, residue mobility, and thermodynamic stability) indicates that this missense variant is expected to disrupt ACADM protein function with a positive predictive value of 80%. Experimental studies have shown that this missense change affects ACADM function (PMID: 7929823, 9158144). For these reasons, this variant has been classified as Pathogenic.

North West Genomic Laboratory Hub, Manchester University NHS Foundation Trust
Classification: Pathogenic for Medium-chain acyl-coenzyme A dehydrogenase deficiency. Last evaluated: 2025-09-03. Review status: criteria provided, single submitter. Criteria: ACGS Best Practice Guidelines for Variant Classification in Rare Disease 2024. Collection method: clinical testing. Allele origin: germline. Affected: yes.
Comment: PP4_Str PP3_Supp PS3_Supp PM3_VStr PM2_Mod

Natera, Inc.
Classification: Pathogenic for Medium Chain Acyl-CoA Dehydrogenase Deficiency. Last evaluated: 2025-08-06. Review status: criteria provided, single submitter. Criteria: Natera Variant Classification Schema (03/2026). Collection method: clinical testing. Allele origin: germline.
Comment: The c.583G>A variant in ACADM is a missense variant predicted to cause substitution of glycine to arginine at amino acid 195. This variant is rare in the general population with a frequency below the threshold expected for the associated phenotype(s). This variant has been observed in one or more individuals affected with the associated recessive disease, as either homozygous or compound heterozygous with a second variant (PMID: 7929823, 9158144). Computational prediction algorithms indicate this variant is likely to affect gene or protein function. Given the available evidence, this variant is classified as Pathogenic.

Blueprint Genetics
Classification: Pathogenic for ACADM-related disorders. Last evaluated: 2024-08-30. Review status: criteria provided, single submitter. Criteria: ACMG Guidelines, 2015. Collection method: clinical testing. Allele origin: germline. Affected: yes. Observed: 5 variant alleles.

Baylor Genetics
Classification: Pathogenic for Medium-chain acyl-coenzyme A dehydrogenase deficiency. Last evaluated: 2024-03-16. Review status: criteria provided, single submitter. Criteria: ACMG Guidelines, 2015. Collection method: clinical testing. Allele origin: unknown.

GeneDx
Classification: Pathogenic. Last evaluated: 2022-06-14. Review status: criteria provided, single submitter. Criteria: GeneDx Variant Classification Process June 2021. Collection method: clinical testing. Allele origin: germline. Affected: yes.
Comment: Functional studies found that this variant is associated with no residual medium chain acyl-CoA dehydrogenase activity (Brackett et al., 1994.; Not observed at a significant frequency in large population cohorts (gnomAD); In silico analysis, which includes protein predictors and evolutionary conservation, supports a deleterious effect; This variant is associated with the following publications: (PMID: 25087612, 11524729, 18241067, 19224950, 7929823, 31012112, 32556492, 9158144, 33580884)

Fulgent Genetics
Classification: Pathogenic for Medium-chain acyl-coenzyme A dehydrogenase deficiency. Last evaluated: 2018-10-31. Review status: criteria provided, single submitter. Criteria: ACMG Guidelines, 2015. Collection method: clinical testing. Allele origin: unknown.

Women's Health and Genetics/Laboratory Corporation of America, LabCorp
Classification: Pathogenic for Medium-chain acyl-coenzyme A dehydrogenase deficiency. Last evaluated: 2018-05-11. Review status: criteria provided, single submitter. Criteria: LabCorp Variant Classification Summary - May 2015. Collection method: clinical testing. Allele origin: germline.
Comment: Variant summary: ACADM c.583G>A (p.Gly195Arg) results in a non-conservative amino acid change located in the Acyl-CoA oxidase/dehydrogenase, central domain of the encoded protein sequence. Five of five in-silico tools predict a damaging effect of the variant on protein function. The variant allele was found at a frequency of 3.6e-05 in 277130 control chromosomes (gnomAD). This frequency is not significantly higher than expected for a pathogenic variant in ACADM causing Medium Chain Acyl-CoA Dehydrogenase Deficiency (3.6e-05 vs 0.0054), allowing no conclusion about variant significance. The variant, c.583G>A, has been reported in the literature in multiple individuals affected with Medium Chain Acyl-CoA Dehydrogenase Deficiency (Andresen_1997, Gramer_2015). These data indicate that the variant is very likely to be associated with disease. A functional study, Andresen_1997, showed the variant eliminated enzyme activity. Multiple ClinVar submissions from clinical diagnostic laboratories (evaluation after 2014) cite the variant as "pathogenic." Based on the evidence outlined above, the variant was classified as pathogenic.

ARUP Laboratories, Molecular Genetics and Genomics, ARUP Laboratories
Classification: Pathogenic for Medium-chain acyl-coenzyme A dehydrogenase deficiency. Last evaluated: 2015-02-20. Review status: criteria provided, single submitter. Criteria: ACMG Guidelines, 2015. Collection method: clinical testing. Allele origin: germline. Inheritance: Autosomal recessive inheritance. Observed: 1 heterozygote.

Eurofins Ntd Llc (ga)
Classification: Pathogenic. Last evaluated: 2013-11-13. Review status: criteria provided, single submitter. Criteria: EGL Classification Definitions. Collection method: clinical testing. Allele origin: germline. Observed: 4 variant alleles, 4 heterozygotes.

Counsyl
Classification: Likely pathogenic for Medium-chain acyl-coenzyme A dehydrogenase deficiency. Last evaluated: 2014-03-24. Review status: no assertion criteria provided. Collection method: literature only. Allele origin: unknown. Inheritance: Autosomal recessive inheritance. Not counted in ClinVar's aggregate classification.

OMIM
Classification: Pathogenic for MCAD DEFICIENCY. Last evaluated: 1994-10-01. Review status: no assertion criteria provided. Collection method: literature only. Allele origin: germline. Not counted in ClinVar's aggregate classification.

Literature cited by the submitters: PubMed 7603790 (cited by Labcorp Genetics (formerly Invitae), Labcorp); PubMed 16291504 (cited by Labcorp Genetics (formerly Invitae), Labcorp and Counsyl); PubMed 25940036 (cited by Labcorp Genetics (formerly Invitae), Labcorp and Women's Health and Genetics/Laboratory Corporation of America, LabCorp); PubMed 7929823 (cited by 4 submitters); PubMed 9158144 (cited by 4 submitters); PubMed 22975760 (cited by Counsyl); PubMed 21083904 (cited by Counsyl); PubMed 18241067 (cited by Counsyl).